The following is an entry in ClinVar:

NM_002334.4(LRP4):c.2617A>G (p.Met873Val)

Gene: LRP4 (LDL receptor related protein 4; minus strand). Cytogenetic location: 11p11.2.
Variant type: single nucleotide variant.
Coding change: c.2617A>G on transcript NM_002334.4 (MANE Select); coding-DNA position 2617, A replaced by G.
Protein change: p.Met873Val; replaces methionine 873 with valine.
Molecular consequence: missense variant.
Genome position (GRCh38, 1-based): chr11:46,881,899, T>C on the plus strand (A>G on the coding strand, the complement: LRP4 is on the minus strand). VCF-style: chr11-46881899-T-C. GRCh37 (hg19) VCF-style: chr11-46903450-T-C.
Other names: short protein forms M873V.
Identifiers: ClinVar variation 1929255 (VCV001929255.5), dbSNP rs778662997, ClinGen allele CA5969833.

ClinVar aggregate classification (germline): Uncertain significance (1 of 4 stars; one submission).

Conditions:
Cenani-Lenz syndactyly syndrome. Also called: CENANI SYNDACTYLISM; SYNDACTYLY, TYPE VII. Identifiers: Orphanet 3258, MedGen C1859309, MONDO:0008931, OMIM 212780.
Congenital myasthenic syndrome 17. Identifiers: Orphanet 590, MedGen C4225377, MONDO:0014578, OMIM 616304.
Sclerosteosis 2 (SOST2). Identifiers: Orphanet 3152, MedGen C3280402, MONDO:0013679, OMIM 614305.

Allele frequency attached by ClinVar (database versions not stated): ExAC 0.00001; gnomAD exomes 0.00001.
gnomAD v4.1: 15 of 1,614,196 alleles (0.00093%); highest among the groups gnomAD compares: Non-Finnish European, 0.0013%; no homozygotes.

Submission:

Labcorp Genetics (formerly Invitae), Labcorp
Classification: Uncertain significance for Cenani-Lenz syndactyly syndrome; Sclerosteosis 2; Congenital myasthenic syndrome 17. Last evaluated: 2022-04-12. Review status: criteria provided, single submitter. Criteria: Invitae Variant Classification Sherloc (09022015). Collection method: clinical testing. Allele origin: germline.
Comment: In summary, the available evidence is currently insufficient to determine the role of this variant in disease. Therefore, it has been classified as a Variant of Uncertain Significance. Algorithms developed to predict the effect of missense changes on protein structure and function are either unavailable or do not agree on the potential impact of this missense change (SIFT: "Deleterious"; PolyPhen-2: "Probably Damaging"; Align-GVGD: "Class C15"). This variant has not been reported in the literature in individuals affected with LRP4-related conditions. This variant is present in population databases (rs778662997, gnomAD 0.002%). This sequence change replaces methionine, which is neutral and non-polar, with valine, which is neutral and non-polar, at codon 873 of the LRP4 protein (p.Met873Val).